The following is an entry in ClinVar:

NM_002332.3(LRP1):c.8010_8014del (p.Trp2671fs)

Gene: LRP1 (LDL receptor related protein 1; plus strand). Cytogenetic location: 12q13.3.
Variant type: Deletion.
Coding change: c.8010_8014del on transcript NM_002332.3 (MANE Select); coding-DNA positions 8010 to 8014, 5 bases deleted (CTGGG; older notation c.8010_8014delCTGGG).
Protein change: p.Trp2671fs; shifts the reading frame from tryptophan 2671.
Molecular consequence: frameshift variant.
Genome position (GRCh38, 1-based): chr12:57,194,445-57,194,449, CTGGG deleted; deleting any 5 consecutive bases within chr12:57,194,444-57,194,449 gives the same sequence; the c. name uses the placement nearest the transcript's 3' end. VCF-style (leftmost placement, unchanged base first): chr12-57194443-AGCTGG-A. GRCh37 (hg19) VCF-style: chr12-57588226-AGCTGG-A.
Other names: short protein forms W2671fs.
Identifiers: ClinVar variation 4976633 (VCV004976633.1).

ClinVar aggregate classification (germline): Uncertain significance (1 of 4 stars; one submission).

Submission:

GeneDx
Classification: Uncertain significance. Last evaluated: 2023-02-07. Review status: criteria provided, single submitter. Criteria: GeneDx Variant Classification Process June 2021. Collection method: clinical testing. Allele origin: germline.
Comment: Not observed at significant frequency in large population cohorts (gnomAD); Frameshift variant predicted to result in protein truncation or nonsense mediated decay in a gene or region of a gene for which loss of function is not a well-established mechanism of disease; Has not been previously published as pathogenic or benign to our knowledge; Variants in candidate genes are classified as variants of uncertain significance in accordance with ACMG guidelines (PMID: 25741868)